The following is an entry in ClinVar:

ClinVar aggregate classification (germline): Uncertain significance. Review status: criteria provided, multiple submitters, no conflicts (2 of 4 stars). 2 submissions from 2 submitters: Uncertain significance (2). Last evaluated 2022-12-06.

Conditions:
Inborn genetic diseases. Identifiers: MedGen C0950123, MeSH D030342.
Autosomal recessive distal spinal muscular atrophy 2. Also called: NEUROPATHY, DISTAL HEREDITARY MOTOR, AUTOSOMAL RECESSIVE 2; NEURONOPATHY, DISTAL HEREDITARY MOTOR, JERASH TYPE; NEUROPATHY, DISTAL HEREDITARY MOTOR, JERASH TYPE; SPINAL MUSCULAR ATROPHY, JERASH TYPE; Hereditary motor neuropathy, Jerash type; Motor neuropathy, distal, Jerash type. Identifiers: Orphanet 139552, MedGen C1854023, MONDO:0011585, OMIM 605726.
Amyotrophic lateral sclerosis type 16. Also called: AMYOTROPHIC LATERAL SCLEROSIS 16, JUVENILE. Identifiers: Orphanet 300605, MedGen C3280587, MONDO:0013715, OMIM 614373.

Allele frequency attached by ClinVar (database versions not stated): gnomAD 0.00002; gnomAD exomes below 0.00001; TOPMed 0.00002.

Submissions (2):

Labcorp Genetics (formerly Invitae), Labcorp
Classification: Uncertain significance for Autosomal recessive distal spinal muscular atrophy 2; Amyotrophic lateral sclerosis type 16. Last evaluated: 2022-12-06. Review status: criteria provided, single submitter. Criteria: Invitae Variant Classification Sherloc (09022015). Collection method: clinical testing. Allele origin: germline.
Comment: This sequence change replaces proline, which is neutral and non-polar, with arginine, which is basic and polar, at codon 70 of the SIGMAR1 protein (p.Pro70Arg). This variant is not present in population databases (gnomAD no frequency). This variant has not been reported in the literature in individuals affected with SIGMAR1-related conditions. ClinVar contains an entry for this variant (Variation ID: 1360343). Algorithms developed to predict the effect of missense changes on protein structure and function (SIFT, PolyPhen-2, Align-GVGD) all suggest that this variant is likely to be disruptive. In summary, the available evidence is currently insufficient to determine the role of this variant in disease. Therefore, it has been classified as a Variant of Uncertain Significance.

Ambry Genetics
Classification: Uncertain significance for Inborn genetic diseases. Last evaluated: 2022-10-12. Review status: criteria provided, single submitter. Criteria: Ambry Variant Classification Scheme 2023. Collection method: clinical testing. Allele origin: germline.

NM_005866.4(SIGMAR1):c.209C>G (p.Pro70Arg)

Gene: SIGMAR1 (sigma receptor chaperone 1; minus strand). Cytogenetic location: 9p13.3.
Variant type: single nucleotide variant.
Coding change: c.209C>G on transcript NM_005866.4 (MANE Select); coding-DNA position 209, C replaced by G.
Protein change: p.Pro70Arg; replaces proline 70 with arginine.
Molecular consequence: missense variant. On other transcripts: 5 prime UTR variant (1), non-coding transcript variant (1).
Genome position (GRCh38, 1-based): chr9:34,637,363, G>C on the plus strand (C>G on the coding strand, the complement: SIGMAR1 is on the minus strand). VCF-style: chr9-34637363-G-C. GRCh37 (hg19) VCF-style: chr9-34637360-G-C.
Other names: c.209C>G, p.Pro70Arg (NM_001282205.2, NM_001282208.2, NM_001282209.2 and 1 more transcripts); c.-45C>G (NM_001282206.2); c.149C>G, p.Pro50Arg (NM_001282207.2); c.209C>G (NM_005866.2); short protein forms P70R, P50R.
Identifiers: ClinVar variation 1360343 (VCV001360343.7), dbSNP rs990147591, ClinGen allele CA192662257.